The following is an entry in ClinVar:

ClinVar aggregate classification (germline): Likely benign. Review status: criteria provided, multiple submitters, no conflicts (2 of 4 stars). 4 submissions from 4 submitters: Likely benign (4). Last evaluated 2026-01-28.

Conditions:
Inborn genetic diseases. Identifiers: MedGen C0950123, MeSH D030342.
MTMR2-related disorder. Also called: MTMR2-related condition.
Charcot-Marie-Tooth disease type 4. Also called: Charcot-Marie-Tooth disease, type IV; Charcot-Marie-Tooth, Type 4. Identifiers: Orphanet 64749, MedGen C4082197, MONDO:0018995.

Allele frequency attached by ClinVar (database versions not stated): ExAC 0.00002; gnomAD exomes 0.00002 and 0.00003; ESP Exome Variant Server 0.00015; gnomAD 0.00001; TOPMed 0.00001.
gnomAD v4.1: 24 of 1,612,786 alleles (0.0015%); highest among the groups gnomAD compares: Admixed American, 0.005%; no homozygotes.

Submissions (4):

Labcorp Genetics (formerly Invitae), Labcorp
Classification: Likely benign for Charcot-Marie-Tooth disease type 4. Last evaluated: 2026-01-28. Review status: criteria provided, single submitter. Criteria: Invitae Variant Classification Sherloc (09022015). Collection method: clinical testing. Allele origin: germline.

PreventionGenetics, part of Exact Sciences
Classification: Likely benign for MTMR2-related condition. Last evaluated: 2025-03-13. Review status: criteria provided, single submitter. Criteria: ACMG Guidelines, 2015. Collection method: clinical testing. Allele origin: germline.
Comment: This variant is classified as likely benign based on ACMG/AMP sequence variant interpretation guidelines (Richards et al. 2015 PMID: 25741868, with internal and published modifications).

Ambry Genetics
Classification: Likely benign for Inborn genetic diseases. Last evaluated: 2019-07-11. Review status: criteria provided, single submitter. Criteria: Ambry Variant Classification Scheme 2023. Collection method: clinical testing. Allele origin: germline.

GeneDx
Classification: Likely benign. Last evaluated: 2018-01-31. Review status: criteria provided, single submitter. Criteria: GeneDx Variant Classification (06012015). Collection method: clinical testing. Allele origin: germline. Affected: yes.
Comment: This variant is considered likely benign or benign based on one or more of the following criteria: it is a conservative change, it occurs at a poorly conserved position in the protein, it is predicted to be benign by multiple in silico algorithms, and/or has population frequency not consistent with disease.

NM_016156.6(MTMR2):c.522C>T (p.Ser174=)

Gene: MTMR2 (myotubularin related protein 2; minus strand). Cytogenetic location: 11q21.
Variant type: single nucleotide variant.
Coding change: c.522C>T on transcript NM_016156.6 (MANE Select); coding-DNA position 522, C replaced by T.
Protein change: p.Ser174=; no amino-acid change (serine 174 retained).
Molecular consequence: synonymous variant.
Genome position (GRCh38, 1-based): chr11:95,858,579, G>A on the plus strand (C>T on the coding strand, the complement: MTMR2 is on the minus strand). VCF-style: chr11-95858579-G-A. GRCh37 (hg19) VCF-style: chr11-95591743-G-A.
Other names: c.306C>T, p.Ser102= (NM_001243571.2, NM_201278.3, NM_201281.3).
Identifiers: ClinVar variation 514997 (VCV000514997.14), dbSNP rs146014892, ClinGen allele CA6240304.